The following is an entry in ClinVar:

NM_001162501.2(TNRC6B):c.4161G>A (p.Gly1387=)

Gene: TNRC6B (trinucleotide repeat containing adaptor 6B; plus strand). Cytogenetic location: 22q13.1.
Variant type: single nucleotide variant.
Coding change: c.4161G>A on transcript NM_001162501.2 (MANE Select); coding-DNA position 4161, G replaced by A.
Protein change: p.Gly1387=; no amino-acid change (glycine 1387 retained).
Molecular consequence: synonymous variant.
Genome position (GRCh38, 1-based): chr22:40,308,552, G>A. VCF-style: chr22-40308552-G-A. GRCh37 (hg19) VCF-style: chr22-40704556-G-A.
Other names: c.1749G>A, p.Gly583= (NM_001024843.2); c.3831G>A, p.Gly1277= (NM_015088.3).
Identifiers: ClinVar variation 2653186 (VCV002653186.25), dbSNP rs186787777, ClinGen allele CA10247244.

ClinVar aggregate classification (germline): Likely benign. Review status: criteria provided, multiple submitters, no conflicts (2 of 4 stars). 2 submissions from 2 submitters: Likely benign (2). Last evaluated 2025-07-01.

Allele frequency attached by ClinVar (database versions not stated): ESP Exome Variant Server 0.00008; gnomAD exomes 0.00015; 1000 Genomes Project 30x 0.00016; gnomAD 0.00016; TOPMed 0.00017; 1000 Genomes Project 0.00020; ExAC 0.00023.
gnomAD v4.1: 250 of 1,614,008 alleles (0.015%); highest among the groups gnomAD compares: Middle Eastern, 0.033%; no homozygotes.

Submissions (2):

CeGaT Center for Human Genetics Tuebingen
Classification: Likely benign. Last evaluated: 2025-07-01. Review status: criteria provided, single submitter. Criteria: CeGaT Center For Human Genetics Tuebingen Variant Classification Criteria Version 2. Collection method: clinical testing. Allele origin: germline. Affected: yes. Observed: 4 variant alleles.
Comment: TNRC6B: BP4, BP7

Blueprint Genetics
Classification: Likely benign. Last evaluated: 2024-11-26. Review status: criteria provided, single submitter. Criteria: ACMG Guidelines, 2015. Collection method: clinical testing. Allele origin: germline.